The following is an entry in ClinVar:

ClinVar aggregate classification (germline): Uncertain significance. Review status: criteria provided, multiple submitters, no conflicts (2 of 4 stars). 2 submissions from 2 submitters: Uncertain significance (2). Last evaluated 2023-09-27.

Conditions:
Hereditary cancer-predisposing syndrome. Also called: Tumor predisposition; Hereditary neoplastic syndrome; Neoplastic Syndromes, Hereditary; Hereditary Cancer Syndrome. Identifiers: Orphanet 140162, MedGen C0027672, MeSH D009386, MONDO:0015356.
Parathyroid carcinoma (PRTC). Also called: Parathyroid gland carcinoma; CDC73-Related Parathyroid Carcinoma. Identifiers: Orphanet 143, MedGen C0687150, MONDO:0012004, OMIM 608266, HP:0006780.

Submissions (2):

Ambry Genetics
Classification: Uncertain significance for Hereditary cancer-predisposing syndrome. Last evaluated: 2023-09-27. Review status: criteria provided, single submitter. Criteria: Ambry Variant Classification Scheme 2023. Collection method: clinical testing. Allele origin: germline.
Comment: The p.N66D variant (also known as c.196A>G), located in coding exon 2 of the CDC73 gene, results from an A to G substitution at nucleotide position 196. The asparagine at codon 66 is replaced by aspartic acid, an amino acid with highly similar properties. This amino acid position is well conserved in available vertebrate species. In addition, the in silico prediction for this alteration is inconclusive. Since supporting evidence is limited at this time, the clinical significance of this alteration remains unclear.

Labcorp Genetics (formerly Invitae), Labcorp
Classification: Uncertain significance for Parathyroid carcinoma. Last evaluated: 2020-05-03. Review status: criteria provided, single submitter. Criteria: Invitae Variant Classification Sherloc (09022015). Collection method: clinical testing. Allele origin: germline.
Comment: This sequence change replaces asparagine with aspartic acid at codon 66 of the CDC73 protein (p.Asn66Asp). The asparagine residue is highly conserved and there is a small physicochemical difference between asparagine and aspartic acid. This variant is not present in population databases (ExAC no frequency). This variant has not been reported in the literature in individuals with CDC73-related conditions. Algorithms developed to predict the effect of missense changes on protein structure and function are either unavailable or do not agree on the potential impact of this missense change (SIFT: "Tolerated"; PolyPhen-2: "Probably Damaging"; Align-GVGD: "Class C0"). In summary, the available evidence is currently insufficient to determine the role of this variant in disease. Therefore, it has been classified as a Variant of Uncertain Significance.

NM_024529.5(CDC73):c.196A>G (p.Asn66Asp)

Gene: CDC73 (cell division cycle 73; plus strand). Cytogenetic location: 1q31.2.
Variant type: single nucleotide variant.
Coding change: c.196A>G on transcript NM_024529.5 (MANE Select); coding-DNA position 196, A replaced by G.
Protein change: p.Asn66Asp; replaces asparagine 66 with aspartic acid.
Molecular consequence: missense variant.
Genome position (GRCh38, 1-based): chr1:193,125,176, A>G. VCF-style: chr1-193125176-A-G. GRCh37 (hg19) VCF-style: chr1-193094306-A-G.
Other names: short protein forms N66D.
Identifiers: ClinVar variation 859899 (VCV000859899.13), dbSNP rs1675542823, ClinGen allele CA343973171.